The following is an entry in ClinVar:

ClinVar aggregate classification (germline): Uncertain significance. Review status: criteria provided, multiple submitters, no conflicts (2 of 4 stars). 2 submissions from 2 submitters: Uncertain significance (2). Last evaluated 2023-12-29.

Conditions:
Neuroblastoma, susceptibility to, 3. Also called: ALK-Related Neuroblastic Tumor Susceptibility. Identifiers: Orphanet 635, MedGen C2751681, MONDO:0013083, OMIM 613014.
Hereditary cancer-predisposing syndrome. Also called: Hereditary neoplastic syndrome; Tumor predisposition; Neoplastic Syndromes, Hereditary; Hereditary Cancer Syndrome. Identifiers: Orphanet 140162, MedGen C0027672, MeSH D009386, MONDO:0015356.

Submissions (2):

Ambry Genetics
Classification: Uncertain significance for Hereditary cancer-predisposing syndrome. Last evaluated: 2023-12-29. Review status: criteria provided, single submitter. Criteria: Ambry Variant Classification Scheme 2023. Collection method: clinical testing. Allele origin: germline.
Comment: The p.D768G variant (also known as c.2303A>G), located in coding exon 13 of the ALK gene, results from an A to G substitution at nucleotide position 2303. The aspartic acid at codon 768 is replaced by glycine, an amino acid with similar properties. This amino acid position is conserved. In addition, this alteration is predicted to be tolerated by in silico analysis. Since supporting evidence is limited at this time, the clinical significance of this alteration remains unclear.

Labcorp Genetics (formerly Invitae), Labcorp
Classification: Uncertain significance for Neuroblastoma, susceptibility to, 3. Last evaluated: 2021-05-13. Review status: criteria provided, single submitter. Criteria: Invitae Variant Classification Sherloc (09022015). Collection method: clinical testing. Allele origin: germline.
Comment: In summary, the available evidence is currently insufficient to determine the role of this variant in disease. Therefore, it has been classified as a Variant of Uncertain Significance. Algorithms developed to predict the effect of sequence changes on RNA splicing suggest that this variant may create or strengthen a splice site, but this prediction has not been confirmed by published transcriptional studies. Algorithms developed to predict the effect of missense changes on protein structure and function output the following: SIFT: "Tolerated"; PolyPhen-2: "Benign"; Align-GVGD: "Class C0". The glycine amino acid residue is found in multiple mammalian species, suggesting that this missense change does not adversely affect protein function. These predictions have not been confirmed by published functional studies and their clinical significance is uncertain. This variant has not been reported in the literature in individuals with ALK-related conditions. This variant is not present in population databases (ExAC no frequency). This sequence change replaces aspartic acid with glycine at codon 768 of the ALK protein (p.Asp768Gly). The aspartic acid residue is moderately conserved and there is a moderate physicochemical difference between aspartic acid and glycine.

NM_004304.5(ALK):c.2303A>G (p.Asp768Gly)

Gene: ALK (ALK receptor tyrosine kinase; minus strand). Cytogenetic location: 2p23.2.
Variant type: single nucleotide variant.
Coding change: c.2303A>G on transcript NM_004304.5 (MANE Select); coding-DNA position 2303, A replaced by G.
Protein change: p.Asp768Gly; replaces aspartic acid 768 with glycine.
Molecular consequence: missense variant.
Genome position (GRCh38, 1-based): chr2:29,239,732, T>C on the plus strand (A>G on the coding strand, the complement: ALK is on the minus strand). VCF-style: chr2-29239732-T-C. GRCh37 (hg19) VCF-style: chr2-29462598-T-C.
Other names: c.2303A>G (NM_004304.4); short protein forms D768G.
Identifiers: ClinVar variation 1475653 (VCV001475653.9), dbSNP rs2148188725, ClinGen allele CA346474398.
Genomic context (GRCh38, chr2:29,239,732, plus strand): 5'-GCACTTACACTGGGGCAGGCGTCCTCTCCCTGCTGCCCAACCAGGATGTACAGCATGTCA[T>C]CCTTCTCCAGGTTGAAGATGCCCAGCACAGACACGCCGTGGGACCGCATCATGGTGTTCT-3'
Protein context (NP_004295.2, residues 758-778): SVLGIFNLEK[Asp768Gly]DMLYILVGQQ